The following is an entry in ClinVar:

ClinVar aggregate classification (germline): Conflicting classifications of pathogenicity. Review status: criteria provided, conflicting classifications (1 of 4 stars). 5 submissions from 5 submitters: Uncertain significance (1); Benign (1); Likely benign (3). Last evaluated 2026-01-12.

Conditions:
Rubinstein-Taybi syndrome due to EP300 haploinsufficiency. Also called: RUBINSTEIN-TAYBI SYNDROME 2; EP300-Related Rubinstein-Taybi Syndrome. Identifiers: Orphanet 353284, Orphanet 783, MedGen C3150941, MONDO:0013364, OMIM 613684.

Allele frequency attached by ClinVar (database versions not stated): ExAC 0.00017; gnomAD exomes 0.00021; ESP Exome Variant Server 0.00023; gnomAD 0.00023 and 0.00025; TOPMed 0.00027.
gnomAD v4.1: 452 of 1,613,994 alleles (0.028%); highest among the groups gnomAD compares: Non-Finnish European, 0.037%; no homozygotes.

Submissions (5):

Labcorp Genetics (formerly Invitae), Labcorp
Classification: Likely benign for Rubinstein-Taybi syndrome due to EP300 haploinsufficiency. Last evaluated: 2026-01-12. Review status: criteria provided, single submitter. Criteria: Invitae Variant Classification Sherloc (09022015). Collection method: clinical testing. Allele origin: germline.

CeGaT Center for Human Genetics Tuebingen
Classification: Likely benign. Last evaluated: 2025-01-01. Review status: criteria provided, single submitter. Criteria: CeGaT Center For Human Genetics Tuebingen Variant Classification Criteria Version 2. Collection method: clinical testing. Allele origin: germline. Affected: yes. Observed: 5 variant alleles.
Comment: EP300: BP4, BP7

Blueprint Genetics
Classification: Likely benign. Last evaluated: 2023-08-21. Review status: criteria provided, single submitter. Criteria: ACMG Guidelines, 2015. Collection method: clinical testing. Allele origin: germline.

GeneDx
Classification: Benign. Last evaluated: 2019-12-23. Review status: criteria provided, single submitter. Criteria: GeneDx Variant Classification Process June 2021. Collection method: clinical testing. Allele origin: germline. Affected: yes.

Eurofins Ntd Llc (ga)
Classification: Uncertain significance. Last evaluated: 2017-03-24. Review status: criteria provided, single submitter. Criteria: EGL Classification Definitions 2015. Collection method: clinical testing. Allele origin: germline. Observed: 2 variant alleles, 2 heterozygotes.

NM_001429.4(EP300):c.5172C>A (p.Thr1724=)

Gene: EP300 (EP300 lysine acetyltransferase; plus strand). Cytogenetic location: 22q13.2.
Variant type: single nucleotide variant.
Coding change: c.5172C>A on transcript NM_001429.4 (MANE Select); coding-DNA position 5172, C replaced by A.
Protein change: p.Thr1724=; no amino-acid change (threonine 1724 retained).
Molecular consequence: synonymous variant.
Genome position (GRCh38, 1-based): chr22:41,176,883, C>A. VCF-style: chr22-41176883-C-A. GRCh37 (hg19) VCF-style: chr22-41572887-C-A.
Other names: c.5094C>A, p.Thr1698= (NM_001362843.2).
Identifiers: ClinVar variation 341813 (VCV000341813.48), dbSNP rs142330184, ClinGen allele CA10253608.
Genomic context (GRCh38, chr22:41,176,883, plus strand): 5'-AATGGAGAAACTAGGCCTTGGCTTAGATGATGAGAGCAACAACCAGCAGGCTGCAGCCAC[C>A]CAGAGCCCAGGCGATTCTCGCCGCCTGAGTATCCAGCGCTGCATCCAGTCTCTGGTCCAT-3'
Protein context (NP_001420.2, residues 1714-1734): DESNNQQAAA[Thr1724=]QSPGDSRRLS